The following is an entry in ClinVar:

ClinVar aggregate classification (germline): Uncertain significance (1 of 4 stars; one submission).

Conditions:
Hereditary spastic paraplegia 11. Also called: Spastic paraplegia, mental retardation and thin corpus callosum; Nakamura Osame syndrome; Autosomal recessive hereditary spastic paraplegia, mental impairment, and thin corpus callosum; SPASTIC PARAPLEGIA, AUTOSOMAL RECESSIVE, COMPLICATED, WITH THIN CORPUS CALLOSUM; SPASTIC PARAPLEGIA, AUTOSOMAL RECESSIVE, WITH MENTAL IMPAIRMENT AND THIN CORPUS CALLOSUM; Spastic Paraplegia 11. Identifiers: Orphanet 2822, MedGen C1858479, MONDO:0011445, OMIM 604360.

Allele frequency attached by ClinVar (database versions not stated): TOPMed below 0.00001.

Submission:

Labcorp Genetics (formerly Invitae), Labcorp
Classification: Uncertain significance for Hereditary spastic paraplegia 11. Last evaluated: 2022-04-15. Review status: criteria provided, single submitter. Criteria: Invitae Variant Classification Sherloc (09022015). Collection method: clinical testing. Allele origin: germline.
Comment: Algorithms developed to predict the effect of sequence changes on RNA splicing suggest that this variant may create or strengthen a splice site. In summary, the available evidence is currently insufficient to determine the role of this variant in disease. Therefore, it has been classified as a Variant of Uncertain Significance. Algorithms developed to predict the effect of missense changes on protein structure and function are either unavailable or do not agree on the potential impact of this missense change (SIFT: "Deleterious"; PolyPhen-2: "Possibly Damaging"; Align-GVGD: "Class C0"). This variant has not been reported in the literature in individuals affected with SPG11-related conditions. This variant is not present in population databases (gnomAD no frequency). This sequence change replaces tryptophan, which is neutral and slightly polar, with serine, which is neutral and polar, at codon 2347 of the SPG11 protein (p.Trp2347Ser).

NM_025137.4(SPG11):c.7040G>C (p.Trp2347Ser)

Gene: SPG11 (SPG11 vesicle trafficking associated, spatacsin; minus strand). Cytogenetic location: 15q21.1.
Variant type: single nucleotide variant.
Coding change: c.7040G>C on transcript NM_025137.4 (MANE Select); coding-DNA position 7040, G replaced by C.
Protein change: p.Trp2347Ser; replaces tryptophan 2347 with serine.
Molecular consequence: missense variant.
Genome position (GRCh38, 1-based): chr15:44,564,658, C>G on the plus strand (G>C on the coding strand, the complement: SPG11 is on the minus strand). VCF-style: chr15-44564658-C-G. GRCh37 (hg19) VCF-style: chr15-44856856-C-G.
Other names: c.6701G>C, p.Trp2234Ser (NM_001160227.2); c.6896G>C, p.Trp2299Ser (NM_001411132.1); short protein forms W2347S, W2234S, W2299S.
Identifiers: ClinVar variation 1928501 (VCV001928501.5), dbSNP rs2082273021, ClinGen allele CA392212871.
Genomic context (GRCh38, chr15:44,564,658, plus strand): 5'-AATTCTTCCAAGTAATTAAAGTCTCCTTTAAGAATCACTTGCTGGTATAAAATTTCAGCC[C>G]AATCTGGAACAAAATCGTAGGCCTCAGCCACAATAGAAGCCTTAAAAGGAGAGGTGAAGA-3'
Protein context (NP_079413.3, residues 2337-2357): VAEAYDFVPD[Trp2347Ser]AEILYQQVIL